The following is an entry in ClinVar:

ClinVar aggregate classification (germline): Uncertain significance (1 of 4 stars; one submission).

Conditions:
Nemaline myopathy 2 (NEM2). Also called: Nemaline myopathy 2, autosomal recessive. Identifiers: MedGen C1850569, MONDO:0009725, OMIM 256030.

Submission:

Labcorp Genetics (formerly Invitae), Labcorp
Classification: Uncertain significance for Nemaline myopathy 2. Last evaluated: 2016-07-21. Review status: criteria provided, single submitter. Criteria: Invitae Variant Classification Sherloc (09022015). Collection method: clinical testing. Allele origin: germline.
Comment: This sequence change replaces leucine with valine at codon 2368 of the NEB protein (p.Leu2368Val). The leucine residue is moderately conserved and there is a small physicochemical difference between leucine and valine. This variant is not present in population databases (ExAC no frequency) and has not been reported in the literature in individuals with a NEB-related disease. Â¬â€ Missense variants in the NEB gene are typically not pathogenic, and there is no indication that this variant causes disease. Algorithms developed to predict the effect of missense changes on protein structure and function do not agree on the potential impact of this missense change (SIFT: "Deleterious"; PolyPhen-2: "Probably Damaging"; Align-GVGD: "Class C0"). In summary, this variant is a novel missense change with uncertain impact on protein function. Missense variants in the NEB gene are typically not pathogenic, and there is no indication that this variant causes disease. However, the available evidence is currently insufficient to prove that conclusively. Therefore, it has been classified as a Variant of Uncertain Significance.

NM_001164508.2(NEB):c.7102C>G (p.Leu2368Val)

Gene: NEB (nebulin; minus strand). Cytogenetic location: 2q23.3.
Variant type: single nucleotide variant.
Coding change: c.7102C>G on transcript NM_001164508.2 (MANE Select); coding-DNA position 7102, C replaced by G.
Protein change: p.Leu2368Val; replaces leucine 2368 with valine.
Molecular consequence: missense variant.
Genome position (GRCh38, 1-based): chr2:151,650,699, G>C on the plus strand (C>G on the coding strand, the complement: NEB is on the minus strand). VCF-style: chr2-151650699-G-C. GRCh37 (hg19) VCF-style: chr2-152507213-G-C.
Other names: c.7102C>G, p.Leu2368Val (NM_001164507.2, NM_001271208.2, NM_004543.5); short protein forms L2368V.
Identifiers: ClinVar variation 465630 (VCV000465630.1), dbSNP rs1553449170, ClinGen allele CA348789920.